The following is an entry in ClinVar:

ClinVar aggregate classification (germline): Pathogenic (1 of 4 stars; one submission).

Allele frequency attached by ClinVar (database versions not stated): gnomAD exomes below 0.00001.

Submission:

Labcorp Genetics (formerly Invitae), Labcorp
Classification: Pathogenic. Last evaluated: 2024-01-12. Review status: criteria provided, single submitter. Criteria: Invitae Variant Classification Sherloc (09022015). Collection method: clinical testing. Allele origin: germline.
Comment: This sequence change replaces tyrosine, which is neutral and polar, with serine, which is neutral and polar, at codon 188 of the USH2A protein (p.Tyr188Ser). This variant is not present in population databases (gnomAD no frequency). This missense change has been observed in individual(s) with clinical features of Usher syndrome (Invitae). ClinVar contains an entry for this variant (Variation ID: 1398163). Advanced modeling of protein sequence and biophysical properties (such as structural, functional, and spatial information, amino acid conservation, physicochemical variation, residue mobility, and thermodynamic stability) has been performed at Invitae for this missense variant, however the output from this modeling did not meet the statistical confidence thresholds required to predict the impact of this variant on USH2A protein function. This variant disrupts the p.Tyr188 amino acid residue in USH2A. Other variant(s) that disrupt this residue have been observed in individuals with USH2A-related conditions (PMID: 27460420, 29142287; Invitae), which suggests that this may be a clinically significant amino acid residue. For these reasons, this variant has been classified as Pathogenic.

Literature cited by the submitters: PubMed 27460420; PubMed 29142287.

NM_206933.4(USH2A):c.563A>C (p.Tyr188Ser)

Gene: USH2A (usherin; minus strand). Cytogenetic location: 1q41.
Variant type: single nucleotide variant.
Coding change: c.563A>C on transcript NM_206933.4 (MANE Select); coding-DNA position 563, A replaced by C.
Protein change: p.Tyr188Ser; replaces tyrosine 188 with serine.
Molecular consequence: missense variant.
Genome position (GRCh38, 1-based): chr1:216,418,602, T>G on the plus strand (A>C on the coding strand, the complement: USH2A is on the minus strand). VCF-style: chr1-216418602-T-G. GRCh37 (hg19) VCF-style: chr1-216591944-T-G.
Other names: c.563A>C, p.Tyr188Ser (NM_007123.6); short protein forms Y188S.
Identifiers: ClinVar variation 1398163 (VCV001398163.8), dbSNP rs2102783934, ClinGen allele CA344902512.